The following is an entry in ClinVar:

ClinVar aggregate classification (germline): Uncertain significance (1 of 4 stars; one submission).

Conditions:
Dextro-looped transposition of the great arteries. Also called: Dextrotransposition of the great arteries. Identifiers: Orphanet 860, MedGen C3531771, MONDO:0019443, OMIM 608808, HP:0031348.

Allele frequency attached by ClinVar (database versions not stated): gnomAD 0.00001; TOPMed 0.00001.
gnomAD v4.1: 2 of 1,612,368 alleles (0.00012%); highest among the groups gnomAD compares: Non-Finnish European, 0.00017%; no homozygotes.

Submission:

Labcorp Genetics (formerly Invitae), Labcorp
Classification: Uncertain significance for Dextro-looped transposition of the great arteries. Last evaluated: 2024-10-28. Review status: criteria provided, single submitter. Criteria: Invitae Variant Classification Sherloc (09022015). Collection method: clinical testing. Allele origin: germline.
Comment: This sequence change replaces lysine, which is basic and polar, with glutamic acid, which is acidic and polar, at codon 659 of the MED13L protein (p.Lys659Glu). This variant is not present in population databases (gnomAD no frequency). This variant has not been reported in the literature in individuals affected with MED13L-related conditions. Invitae Evidence Modeling of protein sequence and biophysical properties (such as structural, functional, and spatial information, amino acid conservation, physicochemical variation, residue mobility, and thermodynamic stability) indicates that this missense variant is not expected to disrupt MED13L protein function with a negative predictive value of 80%. In summary, the available evidence is currently insufficient to determine the role of this variant in disease. Therefore, it has been classified as a Variant of Uncertain Significance.

NM_015335.5(MED13L):c.1975A>G (p.Lys659Glu)

Gene: MED13L (mediator complex subunit 13L; minus strand). Cytogenetic location: 12q24.21.
Variant type: single nucleotide variant.
Coding change: c.1975A>G on transcript NM_015335.5 (MANE Select); coding-DNA position 1975, A replaced by G.
Protein change: p.Lys659Glu; replaces lysine 659 with glutamic acid.
Molecular consequence: missense variant.
Genome position (GRCh38, 1-based): chr12:116,008,438, T>C on the plus strand (A>G on the coding strand, the complement: MED13L is on the minus strand). VCF-style: chr12-116008438-T-C. GRCh37 (hg19) VCF-style: chr12-116446243-T-C.
Other names: short protein forms K659E.
Identifiers: ClinVar variation 2728540 (VCV002728540.3), dbSNP rs1407628951, ClinGen allele CA386895155.